The following is an entry in ClinVar:

NM_002471.4(MYH6):c.3598G>A (p.Asp1200Asn)

Gene: MYH6 (myosin heavy chain 6; minus strand). Cytogenetic location: 14q11.2.
Variant type: single nucleotide variant.
Coding change: c.3598G>A on transcript NM_002471.4 (MANE Select); coding-DNA position 3598, G replaced by A.
Protein change: p.Asp1200Asn; replaces aspartic acid 1200 with asparagine.
Molecular consequence: missense variant.
Genome position (GRCh38, 1-based): chr14:23,390,191, C>T on the plus strand (G>A on the coding strand, the complement: MYH6 is on the minus strand). VCF-style: chr14-23390191-C-T. GRCh37 (hg19) VCF-style: chr14-23859400-C-T.
Other names: short protein forms D1200N.
Identifiers: ClinVar variation 844644 (VCV000844644.12), dbSNP rs372794975, ClinGen allele CA7115129.

ClinVar aggregate classification (germline): Uncertain significance. Review status: criteria provided, multiple submitters, no conflicts (2 of 4 stars). 4 submissions from 4 submitters: Uncertain significance (4). Last evaluated 2025-12-19.

Conditions:
Cardiovascular phenotype. Identifiers: MedGen CN230736.
Hypertrophic cardiomyopathy 14. Identifiers: MedGen C2750467, MONDO:0013197, OMIM 613251.
MYH6-related disorder. Also called: MYH6-Related Disorders; MYH6-related condition.

Submissions (4):

Labcorp Genetics (formerly Invitae), Labcorp
Classification: Uncertain significance for Hypertrophic cardiomyopathy 14. Last evaluated: 2025-12-19. Review status: criteria provided, single submitter. Criteria: Invitae Variant Classification Sherloc (09022015). Collection method: clinical testing. Allele origin: germline.
Comment: This sequence change replaces aspartic acid, which is acidic and polar, with asparagine, which is neutral and polar, at codon 1200 of the MYH6 protein (p.Asp1200Asn). This variant is present in population databases (rs372794975, gnomAD 0.006%). This variant has not been reported in the literature in individuals affected with MYH6-related conditions. ClinVar contains an entry for this variant (Variation ID: 844644). Invitae Evidence Modeling of protein sequence and biophysical properties (such as structural, functional, and spatial information, amino acid conservation, physicochemical variation, residue mobility, and thermodynamic stability) indicates that this missense variant is not expected to disrupt MYH6 protein function with a negative predictive value of 80%. In summary, the available evidence is currently insufficient to determine the role of this variant in disease. Therefore, it has been classified as a Variant of Uncertain Significance.

PreventionGenetics, part of Exact Sciences
Classification: Uncertain significance for MYH6-related condition. Last evaluated: 2025-09-16. Review status: criteria provided, single submitter. Criteria: ACMG Guidelines, 2015. Collection method: clinical testing. Allele origin: germline.
Comment: The MYH6 c.3598G>A variant is predicted to result in the amino acid substitution p.Asp1200Asn. To our knowledge, this variant has not been reported in the literature. This variant is reported in 0.0058% of alleles in individuals of Latino descent in gnomAD. At this time, the clinical significance of this variant is uncertain due to the absence of conclusive functional and genetic evidence.

Dasa
Classification: Uncertain significance. Last evaluated: 2024-10-03. Review status: criteria provided, single submitter. Criteria: DASA Assertion Criteria. Collection method: clinical testing. Allele origin: germline.
Comment: NM_002471.4(MYH6):c.3598G>A (p.Asp1200Asn) is a missense variant that results in the substitution of aspartic acid with asparagine. This variant is rare in population databases. The currently available literature and clinical evidence are not sufficient to establish a definitive association between this variant and the reported condition. Therefore, this variant is classified as a variant of uncertain significance.

Ambry Genetics
Classification: Uncertain significance for Cardiovascular phenotype. Last evaluated: 2023-12-20. Review status: criteria provided, single submitter. Criteria: Ambry Variant Classification Scheme 2023. Collection method: clinical testing. Allele origin: germline.